The following is an entry in ClinVar:

ClinVar aggregate classification (germline): Uncertain significance (1 of 4 stars; one submission).

Conditions:
Myofibrillar myopathy 5. Also called: FILAMINOPATHY, AUTOSOMAL DOMINANT; Filaminopathy (type). Identifiers: Orphanet 171445, MedGen C1836050, MONDO:0012289, OMIM 609524.
Distal myopathy with posterior leg and anterior hand involvement. Also called: WILLIAMS DISTAL MYOPATHY. Identifiers: Orphanet 63273, MedGen C3279722, MONDO:0013550, OMIM 614065.
Hypertrophic cardiomyopathy 26. Also called: Cardiomyopathy, familial hypertrophic, 26. Identifiers: Orphanet 75249, MedGen C4310749, MONDO:0014883, OMIM 617047.

Allele frequency attached by ClinVar (database versions not stated): gnomAD exomes below 0.00001.
gnomAD v4.1: 1 of 1,613,212 alleles (0.000062%); highest among the groups gnomAD compares: Non-Finnish European, 0.000085%; no homozygotes.

Submission:

Labcorp Genetics (formerly Invitae), Labcorp
Classification: Uncertain significance for Distal myopathy with posterior leg and anterior hand involvement; Myofibrillar myopathy 5; Hypertrophic cardiomyopathy 26. Last evaluated: 2025-12-19. Review status: criteria provided, single submitter. Criteria: Invitae Variant Classification Sherloc (09022015). Collection method: clinical testing. Allele origin: germline.
Comment: This sequence change falls in intron 17 of the FLNC gene. It does not directly change the encoded amino acid sequence of the FLNC protein. It affects a nucleotide within the consensus splice site. This variant is not present in population databases (gnomAD no frequency). This variant has been observed in individual(s) with clinical features of hypertrophic cardiomyopathy (internal data). ClinVar contains an entry for this variant (Variation ID: 1423882). Variants that disrupt the consensus splice site are a relatively common cause of aberrant splicing (PMID: 17576681, 9536098). Algorithms developed to predict the effect of sequence changes on RNA splicing suggest that this variant is not likely to affect RNA splicing. In summary, the available evidence is currently insufficient to determine the role of this variant in disease. Therefore, it has been classified as a Variant of Uncertain Significance.

Literature cited by the submitters: PubMed 17576681; PubMed 9536098.

NM_001458.5(FLNC):c.2641+5G>C

Gene: FLNC (filamin C; plus strand). Cytogenetic location: 7q32.1.
Variant type: single nucleotide variant.
Coding change: c.2641+5G>C on transcript NM_001458.5 (MANE Select); 5 bases into the intron after coding-DNA position 2641, G replaced by C.
Molecular consequence: intron variant.
Genome position (GRCh38, 1-based): chr7:128,843,324, G>C. VCF-style: chr7-128843324-G-C. GRCh37 (hg19) VCF-style: chr7-128483378-G-C.
Other names: c.2641+5G>C (NM_001127487.2).
Identifiers: ClinVar variation 1423882 (VCV001423882.8), dbSNP rs2128935942, ClinGen allele CA2573141716.